The following is an entry in ClinVar:

NM_000518.5(HBB):c.-15C>A

Genes: HBB (hemoglobin subunit beta; minus strand), LOC106099062 (HBB recombination region; plus strand), LOC107133510 (origin of replication at HBB; plus strand). Cytogenetic location: 11p15.4.
Variant type: single nucleotide variant.
Coding change: c.-15C>A on transcript NM_000518.5 (MANE Select); 15 bases upstream of the start codon, C replaced by A.
Molecular consequence: 5 prime UTR variant.
Genome position (GRCh38, 1-based): chr11:5,227,036, G>T on the plus strand (C>A on the coding strand, the complement: HBB is on the minus strand). VCF-style: chr11-5227036-G-T. GRCh37 (hg19) VCF-style: chr11-5248266-G-T.
Identifiers: ClinVar variation 36290 (VCV000036290.3), dbSNP rs193922550, ClinGen allele CA342843.
Genomic context (GRCh38, chr11:5,227,036, plus strand): 5'-ACAGGGCAGTAACGGCAGACTTCTCCTCAGGAGTCAGATGCACCATGGTGTCTGTTTGAG[G>T]TTGCTAGTGAACACAGTTGTGTCAGAAGCAAATGTAAGCAATAGATGGCTCTGCCCTGAC-3'

ClinVar aggregate classification (germline): Uncertain significance (1 of 4 stars; one submission).

Conditions:
beta Thalassemia (BTHAL). Also called: Cooley's anemia; Erythroblastic anemia; Mediterranean anemia. Identifiers: Orphanet 848, MedGen C0005283, MONDO:0019402. Disease mechanism: loss of function.

Allele frequency attached by ClinVar (database versions not stated): gnomAD 0.00001; TOPMed 0.00002.

Submission:

Women's Health and Genetics/Laboratory Corporation of America, LabCorp
Classification: Uncertain significance for Beta Thalassemia. Last evaluated: 2011-08-18. Review status: criteria provided, single submitter. Criteria: LabCorp Variant Classification Summary - May 2015. Collection method: curation, clinical testing. Allele origin: germline. Inheritance: autosomal unknown. Affected: yes.
ClinVar note: Converted during submission from uncertain to Uncertain significance.